The following is an entry in ClinVar:

NM_000101.4(CYBA):c.111C>G (p.Tyr37Ter)

Gene: CYBA (cytochrome b-245 alpha chain; minus strand). Cytogenetic location: 16q24.2.
Variant type: single nucleotide variant.
Coding change: c.111C>G on transcript NM_000101.4 (MANE Select); coding-DNA position 111, C replaced by G.
Protein change: p.Tyr37Ter; replaces tyrosine 37 with a stop codon.
Molecular consequence: nonsense.
Genome position (GRCh38, 1-based): chr16:88,648,062, G>C on the plus strand (C>G on the coding strand, the complement: CYBA is on the minus strand). VCF-style: chr16-88648062-G-C. GRCh37 (hg19) VCF-style: chr16-88714470-G-C.
Other names: short protein forms Y37*.
Identifiers: ClinVar variation 1071345 (VCV001071345.7), dbSNP rs2142877263, ClinGen allele CA397065900.

ClinVar aggregate classification (germline): Pathogenic (1 of 4 stars; one submission).

Conditions:
Granulomatous disease, chronic, autosomal recessive, cytochrome b-negative. Also called: GRANULOMATOUS DISEASE, CHRONIC, AUTOSOMAL RECESSIVE, 4; CGD DUE TO DEFICIENCY OF THE ALPHA SUBUNIT OF CYTOCHROME b; CGD, AUTOSOMAL RECESSIVE CYTOCHROME b-NEGATIVE; CYBA DEFICIENCY; Chronic granulomatous disease, autosomal, due to deficiency of CYBA. Identifiers: Orphanet 379, MedGen C1856255, MONDO:0009308, OMIM 233690.

Submission:

Labcorp Genetics (formerly Invitae), Labcorp
Classification: Pathogenic for Granulomatous disease, chronic, autosomal recessive, cytochrome b-negative. Last evaluated: 2020-08-25. Review status: criteria provided, single submitter. Criteria: Invitae Variant Classification Sherloc (09022015). Collection method: clinical testing. Allele origin: germline.
Comment: This variant is not present in population databases (ExAC no frequency). This sequence change creates a premature translational stop signal (p.Tyr37*) in the CYBA gene. It is expected to result in an absent or disrupted protein product. This variant has not been reported in the literature in individuals with CYBA-related conditions. For these reasons, this variant has been classified as Pathogenic. Loss-of-function variants in CYBA are known to be pathogenic (PMID: 10910929, 20167518, 22876374).

Literature cited by the submitters: PubMed 10910929; PubMed 20167518; PubMed 22876374.